The following is an entry in ClinVar:

ClinVar aggregate classification (germline): Pathogenic (1 of 4 stars; one submission).

Conditions:
Ataxia-telangiectasia syndrome (AT). Also called: ATAXIA-TELANGIECTASIA, COMPLEMENTATION GROUP A; ATAXIA-TELANGIECTASIA, FRESNO VARIANT; LOUIS-BAR SYNDROME; Ataxia-telangiectasia, complementation group D; Ataxia-telangiectasia, complementation group E; Cerebello-oculocutaneous telangiectasia. Identifiers: Orphanet 100, MedGen C0004135, MONDO:0008840, OMIM 208900.

Submission:

Labcorp Genetics (formerly Invitae), Labcorp
Classification: Pathogenic for Ataxia-telangiectasia syndrome. Last evaluated: 2024-03-14. Review status: criteria provided, single submitter. Criteria: Invitae Variant Classification Sherloc (09022015). Collection method: clinical testing. Allele origin: germline.
Comment: This sequence change creates a premature translational stop signal (p.Leu64Phefs*36) in the ATM gene. It is expected to result in an absent or disrupted protein product. Loss-of-function variants in ATM are known to be pathogenic (PMID: 23807571, 25614872). This variant is not present in population databases (gnomAD no frequency). This variant has not been reported in the literature in individuals affected with ATM-related conditions. For these reasons, this variant has been classified as Pathogenic.

Literature cited by the submitters: PubMed 23807571; PubMed 25614872.

NM_000051.4(ATM):c.191dup (p.Leu64fs)

Gene: ATM (ATM serine/threonine kinase; plus strand). Cytogenetic location: 11q22.3.
Variant type: Duplication.
Coding change: c.191dup on transcript NM_000051.4 (MANE Select); coding-DNA position 191, one base duplicated (T; older notation c.191dupT).
Protein change: p.Leu64fs; shifts the reading frame from leucine 64.
Molecular consequence: frameshift variant.
Genome position (GRCh38, 1-based): chr11:108,229,183, T duplicated; the last of 5 consecutive T bases (chr11:108,229,179-108,229,183); duplicating any one gives the same sequence. VCF-style (leftmost placement, unchanged base first): chr11-108229178-A-AT. GRCh37 (hg19) VCF-style: chr11-108099905-A-AT.
Other names: c.191dup, p.Leu64fs (NM_001351834.2, NM_001351835.2, NM_001351836.2); short protein forms L64fs.
Identifiers: ClinVar variation 3645938 (VCV003645938.2).